The following is an entry in ClinVar:

NM_002382.5(MAX):c.172-6262T>C

Gene: MAX (MYC associated transcriptional regulator X; minus strand). Cytogenetic location: 14q23.3.
Variant type: single nucleotide variant.
Coding change: c.172-6262T>C on transcript NM_002382.5 (MANE Select); 6262 bases into the intron before coding-DNA position 172, T replaced by C.
Molecular consequence: intron variant. On other transcripts: missense variant (4), non-coding transcript variant (4).
Genome position (GRCh38, 1-based): chr14:65,084,298, A>G on the plus strand (T>C on the coding strand, the complement: MAX is on the minus strand). VCF-style: chr14-65084298-A-G. GRCh37 (hg19) VCF-style: chr14-65551016-A-G.
Other names: c.146T>C, p.Leu49Pro (NM_001271068.2, NM_001407113.1); c.196T>C, p.Ser66Pro (NM_001407114.1); c.173T>C, p.Leu58Pro (NM_145114.3); c.144+9410T>C (NM_001271069.2); c.171+9410T>C (NM_197957.4); c.-196-6262T>C (NM_001407112.1, NM_001407111.1); c.-103-6262T>C (NM_001407106.1, NM_001407107.1, NM_001407105.1 and 1 more transcripts); c.145-6262T>C (NM_001407095.1, NM_001407110.1, NM_001407102.1 and 6 more transcripts); and 2 more; short protein forms L58P, L49P, S66P.
Identifiers: ClinVar variation 5023958 (VCV005023958.1).

ClinVar aggregate classification (germline): Uncertain significance (1 of 4 stars; one submission).

Conditions:
Hereditary cancer-predisposing syndrome. Also called: Neoplastic Syndromes, Hereditary; Tumor predisposition; Hereditary neoplastic syndrome; Hereditary Cancer Syndrome. Identifiers: Orphanet 140162, MedGen C0027672, MeSH D009386, MONDO:0015356.

Submission:

Ambry Genetics
Classification: Uncertain significance for Hereditary cancer-predisposing syndrome. Last evaluated: 2026-07-06. Review status: criteria provided, single submitter. Criteria: Ambry Variant Classification Scheme 2023. Collection method: clinical testing. Allele origin: germline.
Comment: The p.L58P variant (also known as c.173T>C), located in coding exon 4 of the MAX gene, results from a T to C substitution at nucleotide position 173. The leucine at codon 58 is replaced by proline, an amino acid with similar properties. This amino acid position is conserved. In addition, the in silico prediction for this alteration is inconclusive. Based on the available evidence, the clinical significance of this variant remains unclear.